The following is an entry in ClinVar:

NM_201548.5(CERKL):c.833_834insCAAT (p.Leu279fs)

Gene: CERKL (CERK like autophagy regulator; minus strand). Cytogenetic location: 2q31.3.
Variant type: Insertion.
Coding change: c.833_834insCAAT on transcript NM_201548.5 (MANE Select); coding-DNA positions 833 to 834, CAAT inserted.
Protein change: p.Leu279fs; shifts the reading frame from leucine 279.
Molecular consequence: frameshift variant. On other transcripts: non-coding transcript variant (2).
Genome position: GRCh38 VCF-style: chr2-181549695-T-TATTG. GRCh37 (hg19) VCF-style: chr2-182414422-T-TATTG.
Other names: c.911_912insCAAT, p.Leu305fs (NM_001030311.3); c.494_495insCAAT, p.Leu166fs (NM_001030312.3); c.626_627insCAAT, p.Leu210fs (NM_001030313.3); c.779_780insCAAT, p.Leu261fs (NM_001160277.2); short protein forms L261fs, L279fs, L210fs, L305fs, L166fs.
Identifiers: ClinVar variation 1458328 (VCV001458328.6), dbSNP rs2105805670, ClinGen allele CA2573134255.

ClinVar aggregate classification (germline): Pathogenic (1 of 4 stars; one submission).

Submission:

Labcorp Genetics (formerly Invitae), Labcorp
Classification: Pathogenic. Last evaluated: 2021-02-21. Review status: criteria provided, single submitter. Criteria: Invitae Variant Classification Sherloc (09022015). Collection method: clinical testing. Allele origin: germline.
Comment: For these reasons, this variant has been classified as Pathogenic. This variant has not been reported in the literature in individuals with CERKL-related conditions. This variant is not present in population databases (ExAC no frequency). This sequence change creates a premature translational stop signal (p.Leu305Asnfs*66) in the CERKL gene. It is expected to result in an absent or disrupted protein product. Loss-of-function variants in CERKL are known to be pathogenic (PMID: 14681825, 24043777).

Literature cited by the submitters: PubMed 14681825; PubMed 24043777.